The following is an entry in ClinVar:

ClinVar aggregate classification (germline): Benign/Likely benign. Review status: criteria provided, multiple submitters, no conflicts (2 of 4 stars). 7 submissions from 7 submitters: Benign (5); Likely benign (1). 1 of the submissions does not count toward it. Last evaluated 2026-02-02.

Conditions:
Merosin deficient congenital muscular dystrophy (MDC1A). Also called: Congenital merosin-deficient muscular dystrophy 1A; Congenital Muscular Dystrophy Type 1A (MDC1A). Identifiers: Orphanet 258, MedGen C1263858, MONDO:0011925, OMIM 607855.
Muscular dystrophy, limb-girdle, autosomal recessive 23. Identifiers: Orphanet 565837, MedGen C4748327, MONDO:0029136, OMIM 618138.
LAMA2-related muscular dystrophy (LAMA2-RD). Also called: Laminin alpha 2-related dystrophy. Identifiers: MedGen C5679788, MONDO:0100228.
Congenital muscular dystrophy due to partial LAMA2 deficiency. Identifiers: MedGen C1842898.

Allele frequency attached by ClinVar (database versions not stated): gnomAD exomes 0.00112 and 0.00313; ExAC 0.00406; gnomAD 0.01170 and 0.01262; TOPMed 0.01370; ESP Exome Variant Server 0.01376; 1000 Genomes Project 0.01617; 1000 Genomes Project 30x 0.01655.
gnomAD v4.1: 3,472 of 1,614,164 alleles (0.22%); highest among the groups gnomAD compares: African/African-American, 4.1%; 56 homozygotes.

Submissions (7):

Labcorp Genetics (formerly Invitae), Labcorp
Classification: Benign for LAMA2-related muscular dystrophy. Last evaluated: 2026-02-02. Review status: criteria provided, single submitter. Criteria: Invitae Variant Classification Sherloc (09022015). Collection method: clinical testing. Allele origin: germline.

Fulgent Genetics
Classification: Likely benign for Merosin deficient congenital muscular dystrophy; Muscular dystrophy, limb-girdle, autosomal recessive 23. Last evaluated: 2021-08-02. Review status: criteria provided, single submitter. Criteria: ACMG Guidelines, 2015. Collection method: clinical testing. Allele origin: unknown.

Mayo Clinic Laboratories, Mayo Clinic
Classification: Benign. Last evaluated: 2020-03-03. Review status: criteria provided, single submitter. Criteria: ACMG Guidelines, 2015. Collection method: clinical testing. Allele origin: germline. Observed: 28 variant alleles.

Illumina Laboratory Services, Illumina
Classification: Benign for Congenital muscular dystrophy due to partial LAMA2 deficiency. Last evaluated: 2018-01-12. Review status: criteria provided, single submitter. Criteria: ICSL Variant Classification Criteria 13 December 2019. Collection method: clinical testing. Allele origin: germline.
Comment: This variant was observed in the ICSL laboratory as part of a predisposition screen in an ostensibly healthy population. It had not been previously curated by ICSL or reported in the Human Gene Mutation Database (HGMD: prior to June 1st, 2018), and was therefore a candidate for classification through an automated scoring system. Utilizing variant allele frequency, disease prevalence and penetrance estimates, and inheritance mode, an automated score was calculated to assess if this variant is too frequent to cause the disease. Based on the score and internal cut-off values, a variant classified as benign is not then subjected to further curation. The score for this variant resulted in a classification of benign for this disease.

GeneDx
Classification: Benign. Last evaluated: 2016-12-27. Review status: criteria provided, single submitter. Criteria: GeneDx Variant Classification (06012015). Collection method: clinical testing. Allele origin: germline. Affected: yes.
Comment: This variant is considered likely benign or benign based on one or more of the following criteria: it is a conservative change, it occurs at a poorly conserved position in the protein, it is predicted to be benign by multiple in silico algorithms, and/or has population frequency not consistent with disease.

PreventionGenetics, part of Exact Sciences
Classification: Benign. Review status: criteria provided, single submitter. Criteria: ACMG Guidelines, 2015. Collection method: clinical testing. Allele origin: germline.

Genetic Services Laboratory, University of Chicago
Classification: Likely benign for AllHighlyPenetrant. Review status: no assertion criteria provided. Collection method: clinical testing. Allele origin: germline. Inheritance: Autosomal recessive inheritance. Not counted in ClinVar's aggregate classification.
Comment: Likely benign based on allele frequency in 1000 Genomes Project or ESP global frequency and its presence in a patient with a rare or unrelated disease phenotype. NOT Sanger confirmed.

NM_000426.4(LAMA2):c.3613A>G (p.Thr1205Ala)

Gene: LAMA2 (laminin subunit alpha 2; plus strand). Cytogenetic location: 6q22.33.
Variant type: single nucleotide variant.
Coding change: c.3613A>G on transcript NM_000426.4 (MANE Select); coding-DNA position 3613, A replaced by G.
Protein change: p.Thr1205Ala; replaces threonine 1205 with alanine.
Molecular consequence: missense variant.
Genome position (GRCh38, 1-based): chr6:129,315,533, A>G. VCF-style: chr6-129315533-A-G. GRCh37 (hg19) VCF-style: chr6-129636678-A-G.
Other names: c.3613A>G, p.Thr1205Ala (NM_001079823.2); short protein forms T1205A.
Identifiers: ClinVar variation 129438 (VCV000129438.25), dbSNP rs35889149, ClinGen allele CA153439.